The following is an entry in ClinVar:

ClinVar aggregate classification (germline): Uncertain significance (1 of 4 stars; one submission).

Conditions:
BAP1-related tumor predisposition syndrome (TPDS1). Also called: BAP1 tumor predisposition syndrome; Tumor susceptibility linked to germline BAP1 mutations; COMMON Syndrome; TUMOR PREDISPOSITION SYNDROME 1. Identifiers: Orphanet 289539, MedGen C3280492, MONDO:0013692, OMIM 614327.

Submission:

Labcorp Genetics (formerly Invitae), Labcorp
Classification: Uncertain significance for BAP1-related tumor predisposition syndrome. Last evaluated: 2025-10-25. Review status: criteria provided, single submitter. Criteria: Invitae Variant Classification Sherloc (09022015). Collection method: clinical testing. Allele origin: germline.
Comment: This sequence change replaces leucine, which is neutral and non-polar, with proline, which is neutral and non-polar, at codon 17 of the BAP1 protein (p.Leu17Pro). This variant is not present in population databases (gnomAD no frequency). This missense change has been observed in individual(s) with kidney cancer (internal data database). It has also been observed to segregate with disease in related individuals. ClinVar contains an entry for this variant (Variation ID: 412443). Invitae Evidence Modeling of protein sequence and biophysical properties (such as structural, functional, and spatial information, amino acid conservation, physicochemical variation, residue mobility, and thermodynamic stability) indicates that this missense variant is expected to disrupt BAP1 protein function with a positive predictive value of 80%. In summary, the available evidence is currently insufficient to determine the role of this variant in disease. Therefore, it has been classified as a Variant of Uncertain Significance.

NM_004656.4(BAP1):c.50T>C (p.Leu17Pro)

Gene: BAP1 (BRCA1 associated deubiquitinase 1; minus strand). Cytogenetic location: 3p21.1.
Variant type: single nucleotide variant.
Coding change: c.50T>C on transcript NM_004656.4 (MANE Select); coding-DNA position 50, T replaced by C.
Protein change: p.Leu17Pro; replaces leucine 17 with proline.
Molecular consequence: missense variant.
Genome position (GRCh38, 1-based): chr3:52,409,731, A>G on the plus strand (T>C on the coding strand, the complement: BAP1 is on the minus strand). VCF-style: chr3-52409731-A-G. GRCh37 (hg19) VCF-style: chr3-52443747-A-G.
Other names: short protein forms L17P.
Identifiers: ClinVar variation 412443 (VCV000412443.5), dbSNP rs1060503745, ClinGen allele CA16611369.
Genomic context (GRCh38, chr3:52,409,731, plus strand): 5'-GGGCCGCCACAGCCCCGGTCCGGCAGGGAGAAAAGGCTCTTACCGAAATCTTCCACGAGC[A>G]GGGTGAAGAGGCCTGGGTGGGGCGACAAGAGGAGGGGGTGATGGTCAGGCAGGCGCGTCC-3'
Protein context (NP_004647.1, residues 7-27): ELESDPGLFT[Leu17Pro]LVEDFGVKGV